The following is an entry in ClinVar:

ClinVar aggregate classification (germline): Uncertain significance (1 of 4 stars; one submission).

Conditions:
Congenital myasthenic syndrome 10. Also called: Myasthenia, limb-girdle, familial. Identifiers: Orphanet 590, MedGen C1850792, MONDO:0009690, OMIM 254300.
Fetal akinesia deformation sequence 1 (FADS1). Also called: Fetal akinesia sequence; Pena-Shokeir syndrome type I. Identifiers: Orphanet 994, MedGen C1276035, MONDO:0100101, OMIM 208150, HP:0001989.

Submission:

Labcorp Genetics (formerly Invitae), Labcorp
Classification: Uncertain significance for Congenital myasthenic syndrome 10; Fetal akinesia deformation sequence 1. Last evaluated: 2022-09-12. Review status: criteria provided, single submitter. Criteria: Invitae Variant Classification Sherloc (09022015). Collection method: clinical testing. Allele origin: germline.
Comment: This sequence change replaces isoleucine, which is neutral and non-polar, with valine, which is neutral and non-polar, at codon 340 of the DOK7 protein (p.Ile340Val). This variant is not present in population databases (gnomAD no frequency). This variant has not been reported in the literature in individuals affected with DOK7-related conditions. Algorithms developed to predict the effect of missense changes on protein structure and function are either unavailable or do not agree on the potential impact of this missense change (SIFT: "Deleterious"; PolyPhen-2: "Probably Damaging"; Align-GVGD: "Class C0"). In summary, the available evidence is currently insufficient to determine the role of this variant in disease. Therefore, it has been classified as a Variant of Uncertain Significance.

NM_173660.5(DOK7):c.1018A>G (p.Ile340Val)

Gene: DOK7 (docking protein 7; plus strand). Cytogenetic location: 4p16.3.
Variant type: single nucleotide variant.
Coding change: c.1018A>G on transcript NM_173660.5 (MANE Select); coding-DNA position 1018, A replaced by G.
Protein change: p.Ile340Val; replaces isoleucine 340 with valine.
Molecular consequence: missense variant. On other transcripts: 3 prime UTR variant (1).
Genome position (GRCh38, 1-based): chr4:3,493,004, A>G. VCF-style: chr4-3493004-A-G. GRCh37 (hg19) VCF-style: chr4-3494731-A-G.
Other names: c.*239A>G (NM_001164673.2); c.88A>G, p.Ile30Val (NM_001256896.2); c.1018A>G, p.Ile340Val (NM_001301071.2); c.586A>G, p.Ile196Val (NM_001363811.2); short protein forms I30V, I196V, I340V.
Identifiers: ClinVar variation 2066466 (VCV002066466.1), dbSNP rs2475112112, ClinGen allele CA356117194.
Genomic context (GRCh38, chr4:3,493,004, plus strand): 5'-AAGCCGCTGCGTCCGCGGCAGCTGCAGGAGGTTGGCCGCCAGAGCTCCTCGGACAGCGGC[A>G]TCGCCACTGGCAGCCACTCCTCTTACTCCAGCAGCCTCTCGTCCTACGCGGGCAGCAGCC-3'
Protein context (NP_775931.3, residues 330-350): VGRQSSSDSG[Ile340Val]ATGSHSSYSS